The following is an entry in ClinVar:

ClinVar aggregate classification (germline): Uncertain significance (1 of 4 stars; one submission).

Submission:

Labcorp Genetics (formerly Invitae), Labcorp
Classification: Uncertain significance. Last evaluated: 2022-08-16. Review status: criteria provided, single submitter. Criteria: Invitae Variant Classification Sherloc (09022015). Collection method: clinical testing. Allele origin: germline.
Comment: In summary, the available evidence is currently insufficient to determine the role of this variant in disease. Therefore, it has been classified as a Variant of Uncertain Significance. This variant has not been reported in the literature in individuals affected with RPS6KC1-related conditions. This variant is a gross deletion of the genomic region encompassing exon(s) 1 of the RPS6KC1 gene, which includes the initiator codon. This deletion extends beyond the assayed region for this gene and therefore may encompass additional genes. It is expected to result in an absent or disrupted protein product. However, the current clinical and genetic evidence is not sufficient to establish whether loss-of-function variants in RPS6KC1 cause disease.

NC_000001.10:g.(?_213224747)_(213224871_?)del

Gene: RPS6KC1 (ribosomal protein S6 kinase C1; plus strand). Cytogenetic location: 1q32.3.
Variant type: Deletion.
Identifiers: ClinVar variation 2425805 (VCV002425805.4).